The following is an entry in ClinVar:

NM_000433.4(NCF2):c.763A>G (p.Thr255Ala)

Gene: NCF2 (neutrophil cytosolic factor 2; minus strand). Cytogenetic location: 1q25.3.
Variant type: single nucleotide variant.
Coding change: c.763A>G on transcript NM_000433.4 (MANE Select); coding-DNA position 763, A replaced by G.
Protein change: p.Thr255Ala; replaces threonine 255 with alanine.
Molecular consequence: missense variant.
Genome position (GRCh38, 1-based): chr1:183,567,296, T>C on the plus strand (A>G on the coding strand, the complement: NCF2 is on the minus strand). VCF-style: chr1-183567296-T-C. GRCh37 (hg19) VCF-style: chr1-183536431-T-C.
Other names: c.763A>G, p.Thr255Ala (NM_001127651.3); c.520A>G, p.Thr174Ala (NM_001190789.2); c.628A>G, p.Thr210Ala (NM_001190794.2); c.655A>G, p.Thr219Ala (NM_001410895.1); short protein forms T174A, T219A, T210A, T255A.
Identifiers: ClinVar variation 3703918 (VCV003703918.2).
Genomic context (GRCh38, chr1:183,567,296, plus strand): 5'-CATTGCCCTTCTTCAAGACAAAGACAATGTTCCCTGGCATGACCTGGAGCTCTTCTTTTG[T>C]CTCAGGCACAAACCCAAATAGCACACGGTGAGCCTCCCCTTCCAGAGCCCTGCAGAGGAT-3'
Protein context (NP_000424.2, residues 245-265): HRVLFGFVPE[Thr255Ala]KEELQVMPGN

ClinVar aggregate classification (germline): Uncertain significance (1 of 4 stars; one submission).

Conditions:
Granulomatous disease, chronic, autosomal recessive, cytochrome b-positive, type 2. Also called: CGD, AUTOSOMAL RECESSIVE CYTOCHROME b-POSITIVE, TYPE II; GRANULOMATOUS DISEASE, CHRONIC, DUE TO NCF2 DEFICIENCY; Chronic Granulomatous Disease, Autosomal Recessive, Cytochrome b-Positive, Type II; GRANULOMATOUS DISEASE, CHRONIC, AUTOSOMAL RECESSIVE, 2; Chronic granulomatous disease due to deficiency of NCF-2. Identifiers: Orphanet 379, MedGen C1856245, MONDO:0009310, OMIM 233710.

Submission:

Labcorp Genetics (formerly Invitae), Labcorp
Classification: Uncertain significance for Granulomatous disease, chronic, autosomal recessive, cytochrome b-positive, type 2. Last evaluated: 2024-08-28. Review status: criteria provided, single submitter. Criteria: Invitae Variant Classification Sherloc (09022015). Collection method: clinical testing. Allele origin: germline.
Comment: This sequence change replaces threonine, which is neutral and polar, with alanine, which is neutral and non-polar, at codon 255 of the NCF2 protein (p.Thr255Ala). This variant is not present in population databases (gnomAD no frequency). This variant has not been reported in the literature in individuals affected with NCF2-related conditions. Invitae Evidence Modeling of protein sequence and biophysical properties (such as structural, functional, and spatial information, amino acid conservation, physicochemical variation, residue mobility, and thermodynamic stability) indicates that this missense variant is not expected to disrupt NCF2 protein function with a negative predictive value of 80%. In summary, the available evidence is currently insufficient to determine the role of this variant in disease. Therefore, it has been classified as a Variant of Uncertain Significance.